The following is an entry in ClinVar:

NM_001083962.2(TCF4):c.991-5T>A

Gene: TCF4 (transcription factor 4; minus strand). Cytogenetic location: 18q21.2.
Variant type: single nucleotide variant.
Coding change: c.991-5T>A on transcript NM_001083962.2 (MANE Select); 5 bases into the intron before coding-DNA position 991, T replaced by A.
Molecular consequence: intron variant.
Genome position (GRCh38, 1-based): chr18:55,260,032, A>T on the plus strand (T>A on the coding strand, the complement: TCF4 is on the minus strand). VCF-style: chr18-55260032-A-T. GRCh37 (hg19) VCF-style: chr18-52927263-A-T.
Other names: c.1297-5T>A (NM_001243226.3); c.916-5T>A (NM_001369584.1, NM_001369576.1, NM_001369585.1 and 3 more transcripts); c.919-5T>A (NM_001369577.1, NM_001369582.1, NM_001243227.2 and 9 more transcripts); c.991-5T>A (NM_001369571.1, NM_001369567.1, NM_001369572.1 and 4 more transcripts); c.1009-5T>A (NM_001243228.2); c.985-5T>A (NM_001243230.2); c.988-5T>A (NM_001369569.1, NM_001369573.1, NM_001369570.1); c.865-5T>A (NM_001243231.2, NM_001348211.2); and 4 more.
Identifiers: ClinVar variation 3175158 (VCV003175158.1), dbSNP rs2512251505, ClinGen allele CA2825002713.
Genomic context (GRCh38, chr18:55,260,032, plus strand): 5'-ACAGGAGTTGAAGGGTTTGATGAAAAGCTGTTGTTAGTGTGATCTGGAGAATAGATCTTA[A>T]AACAATAAGGAGAAAAAAAAAACACCCTCATTCATTAAAATAATTCACACTTTTCTAAAC-3'

ClinVar aggregate classification (germline): Uncertain significance (1 of 4 stars; one submission).

Conditions:
Inborn genetic diseases. Identifiers: MedGen C0950123, MeSH D030342.

Submission:

Ambry Genetics
Classification: Uncertain significance for Inborn genetic diseases. Last evaluated: 2024-02-23. Review status: criteria provided, single submitter. Criteria: Ambry Variant Classification Scheme 2023. Collection method: clinical testing. Allele origin: germline.
Comment: The c.991-5T>A intronic alteration results from a T to A substitution 5 nucleotides before exon 13 (coding exon 12) of the TCF4 gene. This variant was not reported in population-based cohorts in the Genome Aggregation Database (gnomAD). This nucleotide position is highly conserved in available vertebrate species. In silico splice site analysis predicts that this alteration may weaken the native splice acceptor site. Based on insufficient or conflicting evidence, the clinical significance of this alteration remains unclear.